The following is an entry in ClinVar:

ClinVar aggregate classification (germline): Uncertain significance (1 of 4 stars; one submission).

Conditions:
PHIP-related disorder. Also called: PHIP-related disorders; PHIP-related condition.

gnomAD v4.1: 1 of 1,607,828 alleles (0.000062%); highest among the groups gnomAD compares: Admixed American, 0.0017%; no homozygotes.

Submission:

PreventionGenetics, part of Exact Sciences
Classification: Uncertain significance for PHIP-related condition. Last evaluated: 2026-01-29. Review status: criteria provided, single submitter. Criteria: ACMG Guidelines, 2015. Collection method: clinical testing. Allele origin: germline.
Comment: The PHIP c.4652A>T variant is predicted to result in the amino acid substitution p.His1551Leu. To our knowledge, this variant has not been reported in the literature. This variant is reported in 0.0029% of alleles in individuals of Latino descent in gnomAD. At this time, the clinical significance of this variant is uncertain due to the absence of conclusive functional and genetic evidence.

NM_017934.7(PHIP):c.4652A>T (p.His1551Leu)

Genes: IRAK1BP1 (interleukin 1 receptor associated kinase 1 binding protein 1; plus strand), PHIP (PHIP subunit of CUL4-Ring ligase complex; minus strand). Cytogenetic location: 6q14.1.
Variant type: single nucleotide variant.
Coding change: c.4652A>T on transcript NM_017934.7 (MANE Select); coding-DNA position 4652, A replaced by T.
Protein change: p.His1551Leu; replaces histidine 1551 with leucine.
Molecular consequence: missense variant.
Genome position (GRCh38, 1-based): chr6:78,945,476, T>A on the plus strand (A>T on the coding strand, the complement: PHIP is on the minus strand). VCF-style: chr6-78945476-T-A. GRCh37 (hg19) VCF-style: chr6-79655193-T-A.
Other names: short protein forms H1551L.
Identifiers: ClinVar variation 4985498 (VCV004985498.1).